The following is an entry in ClinVar:

ClinVar aggregate classification (germline): Uncertain significance (1 of 4 stars; one submission).

Allele frequency attached by ClinVar (database versions not stated): gnomAD 0.00001; TOPMed 0.00003; ESP Exome Variant Server 0.00015.
gnomAD v4.1: 19 of 1,613,506 alleles (0.0012%); highest among the groups gnomAD compares: African/African-American, 0.004%; no homozygotes.

Submission:

Labcorp Genetics (formerly Invitae), Labcorp
Classification: Uncertain significance. Last evaluated: 2022-08-16. Review status: criteria provided, single submitter. Criteria: Invitae Variant Classification Sherloc (09022015). Collection method: clinical testing. Allele origin: germline.
Comment: This sequence change replaces arginine, which is basic and polar, with histidine, which is basic and polar, at codon 2793 of the FAT4 protein (p.Arg2793His). This variant is present in population databases (rs150894990, gnomAD 0.007%). This variant has not been reported in the literature in individuals affected with FAT4-related conditions. ClinVar contains an entry for this variant (Variation ID: 1506615). Advanced modeling of protein sequence and biophysical properties (such as structural, functional, and spatial information, amino acid conservation, physicochemical variation, residue mobility, and thermodynamic stability) performed at Invitae indicates that this missense variant is not expected to disrupt FAT4 protein function. In summary, the available evidence is currently insufficient to determine the role of this variant in disease. Therefore, it has been classified as a Variant of Uncertain Significance.

NM_001291303.3(FAT4):c.8384G>A (p.Arg2795His)

Gene: FAT4 (FAT atypical cadherin 4; plus strand). Cytogenetic location: 4q28.1.
Variant type: single nucleotide variant.
Coding change: c.8384G>A on transcript NM_001291303.3 (MANE Select); coding-DNA position 8384, G replaced by A.
Protein change: p.Arg2795His; replaces arginine 2795 with histidine.
Molecular consequence: missense variant.
Genome position (GRCh38, 1-based): chr4:125,449,394, G>A. VCF-style: chr4-125449394-G-A. GRCh37 (hg19) VCF-style: chr4-126370549-G-A.
Other names: c.8384G>A, p.Arg2795His (NM_001291285.3); c.8378G>A, p.Arg2793His (NM_024582.6); short protein forms R2793H, R2795H.
Identifiers: ClinVar variation 1506615 (VCV001506615.5), dbSNP rs150894990, ClinGen allele CA3073364.